The following is an entry in ClinVar:

ClinVar aggregate classification (germline): Likely benign. Review status: criteria provided, single submitter (1 of 4 stars). 2 submissions from 2 submitters: Likely benign (1). 1 of the submissions does not count toward it. Last evaluated 2025-07-07.

Conditions:
Meckel-Gruber syndrome. Also called: DYSENCEPHALIA SPLANCHNOCYSTICA; GRUBER SYNDROME; Dysencephalia splachnocystica. Identifiers: Orphanet 564, MedGen C0265215, MONDO:0018921.
Joubert syndrome. Also called: JOUBERT-BOLTSHAUSER SYNDROME; Familial aplasia of the vermis. Identifiers: Orphanet 475, MedGen C5979921, MONDO:0018772.
TMEM67-related disorder. Also called: TMEM67-related disorders; TMEM67-related condition. Identifiers: MedGen CN239423.

Submissions (3):

Labcorp Genetics (formerly Invitae), Labcorp
Classification: Likely benign for Joubert syndrome; Meckel-Gruber syndrome. Last evaluated: 2025-07-07. Review status: criteria provided, single submitter. Criteria: Invitae Variant Classification Sherloc (09022015). Collection method: clinical testing. Allele origin: germline.

PreventionGenetics, part of Exact Sciences
Classification: Likely benign for TMEM67-related condition. Last evaluated: 2024-08-09. Review status: no assertion criteria provided. Collection method: clinical testing. Allele origin: germline. Not counted in ClinVar's aggregate classification.
Comment: This variant is classified as likely benign based on ACMG/AMP sequence variant interpretation guidelines (Richards et al. 2015 PMID: 25741868, with internal and published modifications).

Dr. Peter K. Rogan Lab, Western University
No classification provided (evidence only). Condition: Gastric cancer. Review status: no classification provided. Collection method: in vitro. Allele origin: not applicable. Functional consequence: retained intron. Not counted in ClinVar's aggregate classification.

NM_153704.6(TMEM67):c.224-13_224-3del

Gene: TMEM67 (transmembrane protein 67; plus strand). Cytogenetic location: 8q22.1.
Variant type: Deletion.
Coding change: c.224-13_224-3del on transcript NM_153704.6 (MANE Select); 13 bases into the intron before coding-DNA position 224 through 3 bases into the intron before coding-DNA position 224, 11 bases deleted (TTTTTTTTTTT).
Molecular consequence: intron variant.
Genome position (GRCh38, 1-based): chr8:93,755,765-93,755,775, TTTTTTTTTTT deleted; deleting any 11 consecutive bases within chr8:93,755,752-93,755,775 gives the same sequence; the c. name uses the placement nearest the transcript's 3' end. VCF-style (leftmost placement, unchanged base first): chr8-93755751-CTTTTTTTTTTT-C. GRCh37 (hg19) VCF-style: chr8-94767979-CTTTTTTTTTTT-C.
Other names: NC_000008.10:g.94767993_94768003del; c.-62+628_-62+638del (NM_001142301.1); c.224-13_224-3del11 (NM_153704.5).
Identifiers: ClinVar variation 1905774 (VCV001905774.7), dbSNP rs587779735, ClinGen allele CA4807552.
Genomic context (GRCh38, chr8:93,755,751, plus strand): 5'-GACTTATTAAAAGTTTCACTATCTGGGAACTTTATTTTTATTTATCAAGGATAAAATTGG[CTTTTTTTTTTT>C]TTTTTTTTTTTTTAGGAACTTCATGTGTATGTCTACCAGGATTTCAGATGATCTCTAATA-3'